The following is an entry in ClinVar:

ClinVar aggregate classification (germline): Uncertain significance (1 of 4 stars; one submission).

Conditions:
Lysinuric protein intolerance (LPI). Identifiers: Orphanet 470, MedGen C0268647, MONDO:0009109, OMIM 222700.

Submission:

Labcorp Genetics (formerly Invitae), Labcorp
Classification: Uncertain significance for Lysinuric protein intolerance. Last evaluated: 2022-09-12. Review status: criteria provided, single submitter. Criteria: Invitae Variant Classification Sherloc (09022015). Collection method: clinical testing. Allele origin: germline.
Comment: This sequence change falls in intron 10 of the SLC7A7 gene. It does not directly change the encoded amino acid sequence of the SLC7A7 protein. This variant is not present in population databases (gnomAD no frequency). This variant has not been reported in the literature in individuals affected with SLC7A7-related conditions. Algorithms developed to predict the effect of sequence changes on RNA splicing suggest that this variant may disrupt the consensus splice site. In summary, the available evidence is currently insufficient to determine the role of this variant in disease. Therefore, it has been classified as a Variant of Uncertain Significance.

NM_003982.4(SLC7A7):c.1430-8_1430-7del

Gene: SLC7A7 (solute carrier family 7 member 7; minus strand). Cytogenetic location: 14q11.2.
Variant type: Microsatellite.
Coding change: c.1430-8_1430-7del on transcript NM_003982.4 (MANE Select); 8 bases into the intron before coding-DNA position 1430 through 7 bases into the intron before coding-DNA position 1430, 2 bases deleted (CT; older notation c.1430-8_1430-7delCT).
Molecular consequence: intron variant.
Genome position (GRCh38, 1-based): chr14:22,773,723-22,773,724, AG deleted on the plus strand (CT on the coding strand, the reverse complement: SLC7A7 is on the minus strand); deleting any 2 consecutive bases within chr14:22,773,723-22,773,727 gives the same sequence; the c. name uses the placement nearest the transcript's 3' end. VCF-style (leftmost placement, unchanged base first): chr14-22773722-AAG-A. GRCh37 (hg19) VCF-style: chr14-23242931-AAG-A.
Other names: c.1430-8_1430-7del (NM_001126106.4, NM_001126105.3).
Identifiers: ClinVar variation 2170934 (VCV002170934.1), dbSNP rs771151725, ClinGen allele CA7104377.
Genomic context (GRCh38, chr14:22,773,722, plus strand): 5'-TCCATTTCTGCAGCAACTGACATACACAGGACCTGGAGGTACCTTGTGGCAGACCCTACA[AAG>A]AGAACTTTGAGTTGGAATTGAGAAGAGGTCAGCTGGGCTGAGTTCAAGTGTCACTGAATG-3'